The following is an entry in ClinVar:

ClinVar aggregate classification (germline): Uncertain significance. Review status: criteria provided, multiple submitters, no conflicts (2 of 4 stars). 2 submissions from 2 submitters: Uncertain significance (2). Last evaluated 2021-09-01.

Conditions:
UDPglucose-4-epimerase deficiency. Also called: UDPglucose 4-Epimerase Deficiency Disease; Epimerase Deficiency Galactosemia; GALACTOSEMIA III; GALE DEFICIENCY; UDP-GALACTOSE-4-EPIMERASE DEFICIENCY; Galactose epimerase deficiency. Identifiers: Orphanet 352, Orphanet 79238, MedGen C0751161, MONDO:0009257, OMIM 230350.

Allele frequency attached by ClinVar (database versions not stated): ExAC 0.00001; TOPMed 0.00002; gnomAD exomes 0.00002 and 0.00001.

Submissions (2):

Labcorp Genetics (formerly Invitae), Labcorp
Classification: Uncertain significance for UDPglucose-4-epimerase deficiency. Last evaluated: 2021-09-01. Review status: criteria provided, single submitter. Criteria: Invitae Variant Classification Sherloc (09022015). Collection method: clinical testing. Allele origin: germline.
Comment: This sequence change replaces proline with leucine at codon 201 of the GALE protein (p.Pro201Leu). The proline residue is highly conserved and there is a moderate physicochemical difference between proline and leucine. This variant is present in population databases (rs199904829, ExAC 0.002%). This variant has not been reported in the literature in individuals affected with GALE-related conditions. ClinVar contains an entry for this variant (Variation ID: 167122). Algorithms developed to predict the effect of missense changes on protein structure and function (SIFT, PolyPhen-2, Align-GVGD) all suggest that this variant is likely to be disruptive. In summary, the available evidence is currently insufficient to determine the role of this variant in disease. Therefore, it has been classified as a Variant of Uncertain Significance.

Eurofins Ntd Llc (ga)
Classification: Uncertain significance. Last evaluated: 2014-05-05. Review status: criteria provided, single submitter. Criteria: EGL Classification Definitions 2015. Collection method: clinical testing. Allele origin: germline. Observed: 1 variant allele, 1 heterozygote.

NM_001008216.2(GALE):c.602C>T (p.Pro201Leu)

Gene: GALE (UDP-galactose-4-epimerase; minus strand). Cytogenetic location: 1p36.11.
Variant type: single nucleotide variant.
Coding change: c.602C>T on transcript NM_001008216.2 (MANE Select); coding-DNA position 602, C replaced by T.
Protein change: p.Pro201Leu; replaces proline 201 with leucine.
Molecular consequence: missense variant.
Genome position (GRCh38, 1-based): chr1:23,797,074, G>A on the plus strand (C>T on the coding strand, the complement: GALE is on the minus strand). VCF-style: chr1-23797074-G-A. GRCh37 (hg19) VCF-style: chr1-24123564-G-A.
Other names: c.602C>T, p.Pro201Leu (NM_000403.4, NM_001127621.2); short protein forms P201L.
Identifiers: ClinVar variation 167122 (VCV000167122.13), dbSNP rs199904829, ClinGen allele CA234064.
Genomic context (GRCh38, chr1:23,797,074, plus strand): 5'-TCCCTTCCCTTTTGCCTTACCTGGGAGACATAAGGCATGAGGTTGTTGGGTATGCCCTGG[G>A]GATCCTCACCAATGCAGCCAGAGGCATGGGCACCTGTGGGGTTGAAATAGCGCAGCAGCA-3'
Protein context (NP_001008217.1, residues 191-211): AHASGCIGED[Pro201Leu]QGIPNNLMPY